The following is an entry in ClinVar:

ClinVar aggregate classification (germline): Likely pathogenic (1 of 4 stars; one submission).

Conditions:
Microcephaly 18, primary, autosomal dominant (MCPH18). Identifiers: MedGen C4479608, MONDO:0054593, OMIM 617520.

Submission:

Clinical Genomics Laboratory, Washington University in St. Louis
Classification: Likely pathogenic for Microcephaly 18, primary, autosomal dominant. Last evaluated: 2026-01-02. Review status: criteria provided, single submitter. Criteria: ACMG Guidelines, 2015. Collection method: clinical testing. Allele origin: germline. Affected: yes.
Comment: The WDFY3 c.8483_8484dup (p.Arg2829Cysfs*16) variant has not been reported in the medical literature to our knowledge. This variant results in frameshift ultimately leading to a premature termination codon, which is predicted to lead to nonsense mediated decay. This variant is absent from the general population (gnomAD v.2.1.1), indicating it is not a common variant. Based on available information, and based on ACMG/AMP guidelines for variant interpretation (Richards S et al., PMID: 25741868), this variant is classified as likely pathogenic.

NM_014991.6(WDFY3):c.8483_8484dup (p.Arg2829fs)

Gene: WDFY3 (WD repeat and FYVE domain containing 3; minus strand). Cytogenetic location: 4q21.23.
Variant type: Microsatellite.
Coding change: c.8483_8484dup on transcript NM_014991.6 (MANE Select); coding-DNA positions 8483 to 8484, 2 bases duplicated (TG; older notation c.8483_8484dupTG).
Protein change: p.Arg2829fs; shifts the reading frame from arginine 2829.
Molecular consequence: frameshift variant.
Genome position (GRCh38, 1-based): chr4:84,702,465-84,702,466, CA duplicated on the plus strand (TG on the coding strand, the reverse complement: WDFY3 is on the minus strand); duplicating any 2 consecutive bases within chr4:84,702,465-84,702,469 gives the same sequence; the c. name uses the placement nearest the transcript's 3' end. VCF-style (leftmost placement, unchanged base first): chr4-84702464-G-GCA. GRCh37 (hg19) VCF-style: chr4-85623617-G-GCA.
Other names: short protein forms R2829fs.
Identifiers: ClinVar variation 4879213 (VCV004879213.1).